The following is an entry in ClinVar:

NM_006502.3(POLH):c.1603A>G (p.Lys535Glu)

Gene: POLH (DNA polymerase eta; plus strand). Cytogenetic location: 6p21.1.
Variant type: single nucleotide variant.
Coding change: c.1603A>G on transcript NM_006502.3 (MANE Select); coding-DNA position 1603, A replaced by G.
Protein change: p.Lys535Glu; replaces lysine 535 with glutamic acid.
Molecular consequence: missense variant. On other transcripts: 3 prime UTR variant (1).
Genome position (GRCh38, 1-based): chr6:43,614,018, A>G. VCF-style: chr6-43614018-A-G. GRCh37 (hg19) VCF-style: chr6-43581755-A-G.
Other names: c.1231A>G, p.Lys411Glu (NM_001291969.2); c.*287A>G (NM_001291970.2); short protein forms K535E, K411E.
Identifiers: ClinVar variation 5894 (VCV000005894.29), dbSNP rs56307355, ClinGen allele CA253647.

ClinVar aggregate classification (germline): Benign/Likely benign. Review status: criteria provided, multiple submitters, no conflicts (2 of 4 stars). 10 submissions from 10 submitters: Benign (3); Likely benign (3). 4 of the submissions do not count toward it. Last evaluated 2026-03-01.

Conditions:
POLH-related disorder. Also called: POLH-related condition.
Xeroderma pigmentosum (XP). Identifiers: Orphanet 910, MedGen C0043346, MONDO:0019600.
Xeroderma pigmentosum variant type. Also called: PHOTOSENSITIVITY WITH DEFECTIVE DNA SYNTHESIS; XERODERMA PIGMENTOSUM WITH NORMAL DNA REPAIR RATES; POLH-Related Xeroderma Pigmentosum. Identifiers: Orphanet 90342, MedGen C1848410, MONDO:0010214, OMIM 278750.

Allele frequency attached by ClinVar (database versions not stated): gnomAD 0.00028 and 0.00050; TOPMed 0.00059; ExAC 0.00103; 1000 Genomes Project 30x 0.00125; 1000 Genomes Project 0.00160.
gnomAD v4.1: 1,211 of 1,614,140 alleles (0.075%); highest among the groups gnomAD compares: East Asian, 1.9%; 13 homozygotes.

Submissions (10):

CeGaT Center for Human Genetics Tuebingen
Classification: Likely benign. Last evaluated: 2026-03-01. Review status: criteria provided, single submitter. Criteria: CeGaT Center For Human Genetics Tuebingen Variant Classification Criteria Version 2. Collection method: clinical testing. Allele origin: germline. Affected: yes. Observed: 5 variant alleles.
Comment: POLH: BP4

Labcorp Genetics (formerly Invitae), Labcorp
Classification: Benign. Last evaluated: 2026-01-22. Review status: criteria provided, single submitter. Criteria: Invitae Variant Classification Sherloc (09022015). Collection method: clinical testing. Allele origin: germline.

Blueprint Genetics
Classification: Likely benign. Last evaluated: 2024-11-15. Review status: criteria provided, single submitter. Criteria: ACMG Guidelines, 2015. Collection method: clinical testing. Allele origin: germline.

Women's Health and Genetics/Laboratory Corporation of America, LabCorp
Classification: Benign. Last evaluated: 2022-09-01. Review status: criteria provided, single submitter. Criteria: LabCorp Variant Classification Summary - May 2015. Collection method: clinical testing. Allele origin: germline.
Comment: Variant summary: POLH c.1603A>G (p.Lys535Glu) results in a conservative amino acid change in the encoded protein sequence. Four of five in-silico tools predict a benign effect of the variant on protein function. The variant allele was found at a frequency of 0.00087 in 250840 control chromosomes (gnomAD), predominantly at a frequency of 0.0085 within the East Asian subpopulation in the gnomAD database, including 3 homozygotes. The observed variant frequency within East Asian control individuals in the gnomAD database is approximately 29 fold of the estimated maximal expected allele frequency for a pathogenic variant in POLH causing Xeroderma Pigmentosum (0.0003), strongly suggesting that the variant is a benign polymorphism found primarily in populations of East Asian origin. Five ClinVar submitters have assessed the variant since 2014: one classified the variant as likely pathogenic, one as uncertain significance, one as likely benign, and two as benign. Based on the evidence outlined above, the variant was classified as benign.

Sema4
Classification: Benign for Xeroderma pigmentosum. Last evaluated: 2020-03-26. Review status: criteria provided, single submitter. Criteria: Sema4 Curation Guidelines. Collection method: curation. Allele origin: germline.

Illumina Laboratory Services, Illumina
Classification: Likely benign for Xeroderma pigmentosum variant type. Last evaluated: 2017-04-27. Review status: criteria provided, single submitter. Criteria: ICSL Variant Classification Criteria 13 December 2019. Collection method: clinical testing. Allele origin: germline.
Comment: This variant was observed as part of a predisposition screen in an ostensibly healthy population. A literature search was performed for the gene, cDNA change, and amino acid change (where applicable). Publications were found based on this search. The evidence from the literature, in combination with allele frequency data from public databases where available, was sufficient to determine this variant is unlikely to cause disease. Therefore, this variant is classified as likely benign.

PreventionGenetics, part of Exact Sciences
Classification: Likely benign for POLH-related condition. Last evaluated: 2020-06-12. Review status: no assertion criteria provided. Collection method: clinical testing. Allele origin: germline. Not counted in ClinVar's aggregate classification.
Comment: This variant is classified as likely benign based on ACMG/AMP sequence variant interpretation guidelines (Richards et al. 2015 PMID: 25741868, with internal and published modifications).

Reproductive Health Research and Development, BGI Genomics
Classification: Uncertain significance for Xeroderma pigmentosum, variant type. Last evaluated: 2020-01-06. Review status: flagged submission. Collection method: curation. Allele origin: germline. Not counted in ClinVar's aggregate classification.
Comment: NM_006502.2:c.1603A>G in the POLH gene has an allele frequency of 0.008 in East Asian subpopulation in the gnomAD database. Benign computational verdict because benign predictions from DEOGEN2, EIGEN, FATHMM-MKL, PrimateAI and SIFT. It has been detected in heterozygous state in one individual with xeroderma pigmentosum (PMID: 11121129). We interpret it as variant of uncertain significance (VUS). ACMG/AMP criteria applied: PP4, BP4.
ClinVar note: Reason: Outlier claim with insufficient supporting evidence

Soonchunhyang University Bucheon Hospital, Soonchunhyang University Medical Center
Classification: Likely pathogenic for Xeroderma pigmentosum variant type. Last evaluated: 2016-03-18. Review status: flagged submission. Criteria: ACMG Guidelines, 2015. Collection method: reference population. Allele origin: germline. Observed: 3 variant alleles. Not counted in ClinVar's aggregate classification.
ClinVar note: Reason: Outlier claim with insufficient supporting evidence

OMIM
Classification: Pathogenic for XERODERMA PIGMENTOSUM, VARIANT TYPE. Last evaluated: 2000-12-01. Review status: flagged submission. Collection method: literature only. Allele origin: germline. Not counted in ClinVar's aggregate classification.
ClinVar note: Reason: Outlier claim with insufficient supporting evidence

Literature cited by the submitters: PubMed 11121129 (cited by 3 submitters); PubMed 10871396 (cited by OMIM).